The following is an entry in ClinVar:

ClinVar aggregate classification (germline): Uncertain significance (1 of 4 stars; one submission).

Conditions:
Inborn genetic diseases. Identifiers: MedGen C0950123, MeSH D030342.

Submission:

Ambry Genetics
Classification: Uncertain significance for Inborn genetic diseases. Last evaluated: 2026-08-30. Review status: criteria provided, single submitter. Criteria: Ambry Variant Classification Scheme 2023. Collection method: clinical testing. Allele origin: germline.
Comment: The p.G276E variant (also known as c.827G>A), located in coding exon 7 of the FANCG gene, results from a G to A substitution at nucleotide position 827. The glycine at codon 276 is replaced by glutamic acid, an amino acid with similar properties. This amino acid position is conserved. In addition, this alteration is predicted to be tolerated by in silico analysis. Based on the available evidence, the clinical significance of this variant remains unclear.

NM_004629.2(FANCG):c.827G>A (p.Gly276Glu)

Gene: FANCG (FA complementation group G; minus strand). Cytogenetic location: 9p13.3.
Variant type: single nucleotide variant.
Coding change: c.827G>A on transcript NM_004629.2 (MANE Select); coding-DNA position 827, G replaced by A.
Protein change: p.Gly276Glu; replaces glycine 276 with glutamic acid.
Molecular consequence: missense variant.
Genome position (GRCh38, 1-based): chr9:35,076,821, C>T on the plus strand (G>A on the coding strand, the complement: FANCG is on the minus strand). VCF-style: chr9-35076821-C-T. GRCh37 (hg19) VCF-style: chr9-35076818-C-T.
Other names: short protein forms G276E.
Identifiers: ClinVar variation 5036542 (VCV005036542.1).
Genomic context (GRCh38, chr9:35,076,821, plus strand): 5'-GTGTCCCCCAGTTGCTGATAGAGCCTAGAGGCCTCCAGAAGTGGAGGACCCCAGGCTGAT[C>T]CCTCTTTCAGGGCTGCAACCAAGTACAACAGTGCTCTCTGTGGATTTCCCTAAAGGGATA-3'
Protein context (NP_004620.1, residues 266-286): LLYLVAALKE[Gly276Glu]SAWGPPLLEA